The following is an entry in ClinVar:

NM_006767.4(LZTR1):c.880_883del (p.Arg294fs)

Gene: LZTR1 (leucine zipper like post translational regulator 1; plus strand). Cytogenetic location: 22q11.21.
Variant type: Deletion.
Coding change: c.880_883del on transcript NM_006767.4 (MANE Select); coding-DNA positions 880 to 883, 4 bases deleted (CGCC; older notation c.880_883delCGCC).
Protein change: p.Arg294fs; shifts the reading frame from arginine 294.
Molecular consequence: frameshift variant.
Genome position (GRCh38, 1-based): chr22:20,991,716-20,991,719, CGCC deleted; deleting any 4 consecutive bases within chr22:20,991,715-20,991,719 gives the same sequence; the c. name uses the placement nearest the transcript's 3' end. VCF-style (leftmost placement, unchanged base first): chr22-20991714-ACCGC-A. GRCh37 (hg19) VCF-style: chr22-21346003-ACCGC-A.
Other names: short protein forms R294fs.
Identifiers: ClinVar variation 4751526 (VCV004751526.1).

ClinVar aggregate classification (germline): Pathogenic (1 of 4 stars; one submission).

Submission:

Labcorp Genetics (formerly Invitae), Labcorp
Classification: Pathogenic. Last evaluated: 2025-05-13. Review status: criteria provided, single submitter. Criteria: Invitae Variant Classification Sherloc (09022015). Collection method: clinical testing. Allele origin: germline.
Comment: This sequence change creates a premature translational stop signal (p.Arg294Thrfs*56) in the LZTR1 gene. It is expected to result in an absent or disrupted protein product. Loss-of-function variants in LZTR1 are known to be pathogenic (PMID: 24362817, 25335493, 25480913, 25795793, 29469822, 30368668, 30442762, 30442766, 30481304, 30859559). This variant is not present in population databases (gnomAD no frequency). This variant has not been reported in the literature in individuals affected with LZTR1-related conditions. For these reasons, this variant has been classified as Pathogenic.

Literature cited by the submitters: PubMed 24362817; PubMed 25335493; PubMed 25480913; PubMed 25795793; PubMed 29469822; PubMed 30368668; PubMed 30442762; PubMed 30442766; PubMed 30481304; PubMed 30859559.